The following is an entry in ClinVar:

NM_000321.3(RB1):c.1813A>G (p.Met605Val)

Gene: RB1 (RB transcriptional corepressor 1; plus strand). Cytogenetic location: 13q14.2.
Variant type: single nucleotide variant.
Coding change: c.1813A>G on transcript NM_000321.3 (MANE Select); coding-DNA position 1813, A replaced by G.
Protein change: p.Met605Val; replaces methionine 605 with valine.
Molecular consequence: missense variant.
Genome position (GRCh38, 1-based): chr13:48,453,110, A>G. VCF-style: chr13-48453110-A-G. GRCh37 (hg19) VCF-style: chr13-49027246-A-G.
Other names: c.1813A>G, p.Met605Val (NM_001407165.1); short protein forms M605V.
Identifiers: ClinVar variation 2697843 (VCV002697843.4), dbSNP rs2542360876, ClinGen allele CA388165670.

ClinVar aggregate classification (germline): Uncertain significance. Review status: criteria provided, multiple submitters, no conflicts (2 of 4 stars). 2 submissions from 2 submitters: Uncertain significance (2). Last evaluated 2026-03-18.

Conditions:
Hereditary cancer-predisposing syndrome. Also called: Tumor predisposition; Hereditary neoplastic syndrome; Neoplastic Syndromes, Hereditary; Hereditary Cancer Syndrome. Identifiers: Orphanet 140162, MedGen C0027672, MeSH D009386, MONDO:0015356.
Retinoblastoma (RB1). Also called: RETINOBLASTOMA, SOMATIC. Identifiers: Orphanet 790, MedGen C0035335, MeSH D012175, MONDO:0008380, OMIM 180200, HP:0009919. Disease mechanism: loss of function. Inheritance: Both sporadic and heritable forms are tested..

Submissions (2):

Ambry Genetics
Classification: Uncertain significance for Hereditary cancer-predisposing syndrome. Last evaluated: 2026-03-18. Review status: criteria provided, single submitter. Criteria: Ambry Variant Classification Scheme 2023. Collection method: clinical testing. Allele origin: germline.
Comment: The p.M605V variant (also known as c.1813A>G), located in coding exon 18 of the RB1 gene, results from an A to G substitution at nucleotide position 1813. The methionine at codon 605 is replaced by valine, an amino acid with highly similar properties. This amino acid position is conserved. In addition, the in silico prediction for this alteration is inconclusive. Based on the available evidence, the clinical significance of this variant remains unclear.

Labcorp Genetics (formerly Invitae), Labcorp
Classification: Uncertain significance for Retinoblastoma. Last evaluated: 2023-11-21. Review status: criteria provided, single submitter. Criteria: Invitae Variant Classification Sherloc (09022015). Collection method: clinical testing. Allele origin: germline.
Comment: This sequence change replaces methionine, which is neutral and non-polar, with valine, which is neutral and non-polar, at codon 605 of the RB1 protein (p.Met605Val). This variant is not present in population databases (gnomAD no frequency). This variant has not been reported in the literature in individuals affected with RB1-related conditions. An algorithm developed to predict the effect of missense changes on protein structure and function (PolyPhen-2) suggests that this variant is likely to be tolerated. In summary, the available evidence is currently insufficient to determine the role of this variant in disease. Therefore, it has been classified as a Variant of Uncertain Significance.